The following is an entry in ClinVar:

NM_152424.4(AMER1):c.2937G>C (p.Gln979His)

Gene: AMER1 (APC membrane recruitment protein 1; minus strand). Cytogenetic location: Xq11.2.
Variant type: single nucleotide variant.
Coding change: c.2937G>C on transcript NM_152424.4 (MANE Select); coding-DNA position 2937, G replaced by C.
Protein change: p.Gln979His; replaces glutamine 979 with histidine.
Molecular consequence: missense variant.
Genome position (GRCh38, 1-based): chrX:64,190,350, C>G on the plus strand (G>C on the coding strand, the complement: AMER1 is on the minus strand). VCF-style: chrX-64190350-C-G. GRCh37 (hg19) VCF-style: chrX-63410230-C-G.
Other names: short protein forms Q979H.
Identifiers: ClinVar variation 4846801 (VCV004846801.1).

ClinVar aggregate classification (germline): Uncertain significance (1 of 4 stars; one submission).

Conditions:
Osteopathia striata with cranial sclerosis (OSCS). Also called: HYPEROSTOSIS GENERALISATA WITH STRIATIONS. Identifiers: Orphanet 2780, MedGen C0432268, MONDO:0010310, OMIM 300373.

Submission:

Laboratorio de Genetica e Diagnostico Molecular, Hospital Israelita Albert Einstein
Classification: Uncertain significance for Osteopathia striata with cranial sclerosis. Last evaluated: 2023-03-03. Review status: criteria provided, single submitter. Criteria: ACMG Guidelines, 2015. Collection method: clinical testing. Allele origin: germline. Affected: yes.
Comment: ACMG classification criteria: PM2 moderate, BP4 supporting